The following is an entry in ClinVar:

NM_194248.3(OTOF):c.1966dup (p.Arg656fs)

Gene: OTOF (otoferlin; minus strand). Cytogenetic location: 2p23.3.
Variant type: Duplication.
Coding change: c.1966dup on transcript NM_194248.3 (MANE Select); coding-DNA position 1966, one base duplicated (C; older notation c.1966dupC).
Protein change: p.Arg656fs; shifts the reading frame from arginine 656.
Molecular consequence: frameshift variant.
Genome position (GRCh38, 1-based): chr2:26,479,600, G duplicated on the plus strand (C on the coding strand, the reverse complement: OTOF is on the minus strand); the first of 4 consecutive G bases (chr2:26,479,600-26,479,603); duplicating any one gives the same sequence. VCF-style (leftmost placement, unchanged base first): chr2-26479599-C-CG. GRCh37 (hg19) VCF-style: chr2-26702467-C-CG.
Other names: c.1966dup, p.Arg656fs (NM_001287489.2); short protein forms R656fs.
Identifiers: ClinVar variation 1377303 (VCV001377303.9), dbSNP rs397515590, ClinGen allele CA2573134383.
Genomic context (GRCh38, chr2:26,479,599, plus strand): 5'-GCCTCGTCATCACTTGCGTTCTGAATCAGGTCTACTTCTTCCTCATCCCCCGGCTCCTTC[C>CG]GGGGCCGAGGCCGCTGGGGCCGGGACAGGCCATCAACTTCGTTCCCATAGTTGCCTGGAG-3'

ClinVar aggregate classification (germline): Pathogenic. Review status: criteria provided, multiple submitters, no conflicts (2 of 4 stars). 2 submissions from 2 submitters: Pathogenic (2). Last evaluated 2024-12-02.

Submissions (2):

GeneDx
Classification: Pathogenic. Last evaluated: 2024-12-02. Review status: criteria provided, single submitter. Criteria: GeneDx Variant Classification Process June 2021. Collection method: clinical testing. Allele origin: germline. Affected: yes.
Comment: Frameshift variant predicted to result in protein truncation or nonsense mediated decay in a gene for which loss-of-function is a known mechanism of disease; Not observed at significant frequency in large population cohorts (gnomAD); Has not been previously published as pathogenic or benign to our knowledge

Labcorp Genetics (formerly Invitae), Labcorp
Classification: Pathogenic. Last evaluated: 2024-01-02. Review status: criteria provided, single submitter. Criteria: Invitae Variant Classification Sherloc (09022015). Collection method: clinical testing. Allele origin: germline.
Comment: This sequence change creates a premature translational stop signal (p.Arg656Profs*7) in the OTOF gene. It is expected to result in an absent or disrupted protein product. Loss-of-function variants in OTOF are known to be pathogenic (PMID: 18381613, 19250381, 22575033). This variant is not present in population databases (gnomAD no frequency). This premature translational stop signal has been observed in individual(s) with auditory neuropathy (PMID: 30368385). ClinVar contains an entry for this variant (Variation ID: 1377303). For these reasons, this variant has been classified as Pathogenic.

Literature cited by the submitters: PubMed 18381613 (cited by Labcorp Genetics (formerly Invitae), Labcorp); PubMed 19250381 (cited by Labcorp Genetics (formerly Invitae), Labcorp); PubMed 22575033 (cited by Labcorp Genetics (formerly Invitae), Labcorp); PubMed 30368385 (cited by Labcorp Genetics (formerly Invitae), Labcorp).